The following is an entry in ClinVar:

NM_001297595.2(SIN3B):c.796A>G (p.Ser266Gly)

Gene: SIN3B (SIN3 transcription regulator family member B; plus strand). Cytogenetic location: 19p13.11.
Variant type: single nucleotide variant.
Coding change: c.796A>G on transcript NM_001297595.2 (MANE Select); coding-DNA position 796, A replaced by G.
Protein change: p.Ser266Gly; replaces serine 266 with glycine.
Molecular consequence: missense variant.
Genome position (GRCh38, 1-based): chr19:16,851,481, A>G. VCF-style: chr19-16851481-A-G. GRCh37 (hg19) VCF-style: chr19-16962292-A-G.
Other names: c.796A>G, p.Ser266Gly (NM_015260.4); short protein forms S266G.
Identifiers: ClinVar variation 788336 (VCV000788336.18), dbSNP rs61754499, ClinGen allele CA9282946.
Genomic context (GRCh38, chr19:16,851,481, plus strand): 5'-AACGGGCCGTGCGAGATGCACAGCGTGCAGAAGAACGAGCACGACAAGACCCCGGAGCAC[A>G]GCAGGAAGCGCTCCCGGCCCTCGCTCCTCCGCCCCGTGTCTGCACCCGCCAAGGTACCTG-3'
Protein context (NP_001284524.1, residues 256-276): KNEHDKTPEH[Ser266Gly]RKRSRPSLLR

ClinVar aggregate classification (germline): Benign/Likely benign. Review status: criteria provided, multiple submitters, no conflicts (2 of 4 stars). 4 submissions from 4 submitters: Benign (2); Likely benign (2). Last evaluated 2026-09-01.

Allele frequency attached by ClinVar (database versions not stated): 1000 Genomes Project 0.00160; 1000 Genomes Project 30x 0.00172; TOPMed 0.00323; gnomAD 0.00385 and 0.00402; gnomAD exomes 0.00431 and 0.00504; ExAC 0.00483; ESP Exome Variant Server 0.00515.
gnomAD v4.1: 7,824 of 1,610,004 alleles (0.49%); highest among the groups gnomAD compares: Non-Finnish European, 0.57%; 32 homozygotes.

Submissions (4):

CeGaT Center for Human Genetics Tuebingen
Classification: Likely benign. Last evaluated: 2026-09-01. Review status: criteria provided, single submitter. Criteria: CeGaT Center For Human Genetics Tuebingen Variant Classification Criteria Version 2. Collection method: clinical testing. Allele origin: germline. Affected: yes. Observed: 12 variant alleles.
Comment: SIN3B: BP4, BS2

Blueprint Genetics
Classification: Likely benign. Last evaluated: 2024-11-21. Review status: criteria provided, single submitter. Criteria: ACMG Guidelines, 2015. Collection method: clinical testing. Allele origin: germline.

Labcorp Genetics (formerly Invitae), Labcorp
Classification: Benign. Last evaluated: 2017-08-14. Review status: criteria provided, single submitter. Criteria: Invitae Variant Classification Sherloc (09022015). Collection method: clinical testing. Allele origin: germline.

Breakthrough Genomics
Classification: Benign. Review status: criteria provided, single submitter. Criteria: ACMG Guidelines, 2015. Collection method: not provided. Allele origin: germline. Inheritance: Unknown mechanism. Affected: yes.